The following is an entry in ClinVar:

ClinVar aggregate classification (germline): Pathogenic/Likely pathogenic. Review status: criteria provided, multiple submitters, no conflicts (2 of 4 stars). 3 submissions from 3 submitters: Pathogenic (1); Likely pathogenic (1). 1 of the submissions does not count toward it. Last evaluated 2022-11-08.

Conditions:
PRPH2-related disorder. Also called: PRPH2-related condition; PRPH2-related disorders. Identifiers: MedGen CN239395.
Retinitis pigmentosa (RP). Identifiers: Orphanet 791, MedGen C0035334, MeSH D012174, MONDO:0019200, OMIM 268000. Inheritance: Autosomal dominant, autosomal recessive and X linked inheritance.

Submissions (3):

Labcorp Genetics (formerly Invitae), Labcorp
Classification: Pathogenic for PRPH2-related disorder. Last evaluated: 2022-11-08. Review status: criteria provided, single submitter. Criteria: Invitae Variant Classification Sherloc (09022015). Collection method: clinical testing. Allele origin: germline.
Comment: This sequence change replaces phenylalanine, which is neutral and non-polar, with leucine, which is neutral and non-polar, at codon 211 of the PRPH2 protein (p.Phe211Leu). This variant is not present in population databases (gnomAD no frequency). This missense change has been observed in individuals with autosomal dominant retinitis pigmentosa (PMID: 10193525, 25447119). ClinVar contains an entry for this variant (Variation ID: 973710). Advanced modeling of protein sequence and biophysical properties (such as structural, functional, and spatial information, amino acid conservation, physicochemical variation, residue mobility, and thermodynamic stability) performed at Invitae indicates that this missense variant is expected to disrupt PRPH2 protein function. For these reasons, this variant has been classified as Pathogenic.

NEI Ophthalmic Genomics Laboratory, National Institutes of Health
Classification: Likely pathogenic for Retinitis pigmentosa. Last evaluated: 2020-01-07. Review status: criteria provided, single submitter. Criteria: ACMG Guidelines, 2015. Collection method: clinical testing. Allele origin: germline. Affected: yes.
Comment: The variant NM_000322.4:c.631T>C in the PRPH2 gene has been previously studied(PMID 25447119). This variant is listed in dbSNP and/or HGMD (CM150434). It is absent in gnomAD browser. It is not enriched in the PRPH2 disease cohort. We invoked ACMG criteria [PP1-S, PM1, PM2, PP3] and classified NM_000322.4:c.631T>C in the PRPH2 gene as a Likely Pathogenic mutation.

Leiden Open Variation Database
Classification: Pathogenic. Last evaluated: 2021-05-21. Review status: no assertion criteria provided. Collection method: curation. Allele origin: germline. Affected: yes. Not counted in ClinVar's aggregate classification.
Comment: Curator: Global Variome, with Curator vacancy. Submitters to LOVD: LOVD, Manon Peeters. Comment: Variant observed de novo.

Literature cited by the submitters: PubMed 10193525 (cited by Labcorp Genetics (formerly Invitae), Labcorp); PubMed 25447119 (cited by Labcorp Genetics (formerly Invitae), Labcorp and Leiden Open Variation Database); PubMed 25412400 (cited by Leiden Open Variation Database); PubMed 32531846 (cited by Leiden Open Variation Database).

NM_000322.5(PRPH2):c.631T>C (p.Phe211Leu)

Gene: PRPH2 (peripherin 2; minus strand). Cytogenetic location: 6p21.1.
Variant type: single nucleotide variant.
Coding change: c.631T>C on transcript NM_000322.5 (MANE Select); coding-DNA position 631, T replaced by C.
Protein change: p.Phe211Leu; replaces phenylalanine 211 with leucine.
Molecular consequence: missense variant.
Genome position (GRCh38, 1-based): chr6:42,704,562, A>G on the plus strand (T>C on the coding strand, the complement: PRPH2 is on the minus strand). VCF-style: chr6-42704562-A-G. GRCh37 (hg19) VCF-style: chr6-42672300-A-G.
Other names: short protein forms F211L.
Identifiers: ClinVar variation 973710 (VCV000973710.7), dbSNP rs1800116126, ClinGen allele CA364135628.